The following is an entry in ClinVar:

NM_133433.4(NIPBL):c.2294G>A (p.Arg765Lys)

Gene: NIPBL (NIPBL cohesin loading factor; plus strand). Cytogenetic location: 5p13.2.
Variant type: single nucleotide variant.
Coding change: c.2294G>A on transcript NM_133433.4 (MANE Select); coding-DNA position 2294, G replaced by A.
Protein change: p.Arg765Lys; replaces arginine 765 with lysine.
Molecular consequence: missense variant.
Genome position (GRCh38, 1-based): chr5:36,985,474, G>A. VCF-style: chr5-36985474-G-A. GRCh37 (hg19) VCF-style: chr5-36985576-G-A.
Other names: c.2294G>A, p.Arg765Lys (NM_015384.5); short protein forms R765K.
Identifiers: ClinVar variation 159051 (VCV000159051.48), dbSNP rs185678374, ClinGen allele CA239387.

ClinVar aggregate classification (germline): Conflicting classifications of pathogenicity. Review status: criteria provided, conflicting classifications (1 of 4 stars). 12 submissions from 12 submitters: Uncertain significance (1); Benign (3); Likely benign (8). Last evaluated 2026-07-01.

Conditions:
Inborn genetic diseases. Identifiers: MedGen C0950123, MeSH D030342.
Cornelia de Lange syndrome 1 (CDLS1). Also called: Brachmann de Lange syndrome; TYPUS DEGENERATIVUS AMSTELODAMENSIS; NIPBL-Related Cornelia de Lange Syndrome. Identifiers: Orphanet 199, MedGen C4551851, MONDO:0007387, OMIM 122470.

Allele frequency attached by ClinVar (database versions not stated): 1000 Genomes Project 0.00040; 1000 Genomes Project 30x 0.00047; TOPMed 0.00049; gnomAD exomes 0.00052; ESP Exome Variant Server 0.00054; ExAC 0.00055; gnomAD 0.00060 and 0.00061.
gnomAD v4.1: 1,049 of 1,613,722 alleles (0.065%); highest among the groups gnomAD compares: Non-Finnish European, 0.077%; 2 homozygotes.

Submissions (12):

CeGaT Center for Human Genetics Tuebingen
Classification: Likely benign. Last evaluated: 2026-07-01. Review status: criteria provided, single submitter. Criteria: CeGaT Center For Human Genetics Tuebingen Variant Classification Criteria Version 2. Collection method: clinical testing. Allele origin: germline. Affected: yes. Observed: 5 variant alleles.
Comment: NIPBL: BS1

Labcorp Genetics (formerly Invitae), Labcorp
Classification: Likely benign for Cornelia de Lange syndrome 1. Last evaluated: 2025-12-13. Review status: criteria provided, single submitter. Criteria: Invitae Variant Classification Sherloc (09022015). Collection method: clinical testing. Allele origin: germline.

Laboratory of Genetics, Children's Clinical University Hospital Latvia
Classification: Likely benign. Last evaluated: 2025-02-16. Review status: criteria provided, single submitter. Criteria: ACMG Guidelines, 2015. Collection method: clinical testing. Allele origin: germline. Affected: yes.

Blueprint Genetics
Classification: Likely benign. Last evaluated: 2024-11-15. Review status: criteria provided, single submitter. Criteria: ACMG Guidelines, 2015. Collection method: clinical testing. Allele origin: germline.

Genome-Nilou Lab
Classification: Benign for Cornelia de Lange syndrome 1. Last evaluated: 2021-07-15. Review status: criteria provided, single submitter. Criteria: ACMG Guidelines, 2015. Collection method: clinical testing. Allele origin: germline. Affected: no.

GeneDx
Classification: Benign. Last evaluated: 2020-03-19. Review status: criteria provided, single submitter. Criteria: GeneDx Variant Classification Process June 2021. Collection method: clinical testing. Allele origin: germline. Affected: yes.

Illumina Laboratory Services, Illumina
Classification: Likely benign for Cornelia de Lange syndrome 1. Last evaluated: 2018-01-13. Review status: criteria provided, single submitter. Criteria: ICSL Variant Classification Criteria 13 December 2019. Collection method: clinical testing. Allele origin: germline.
Comment: This variant was observed in the ICSL laboratory as part of a predisposition screen in an ostensibly healthy population. It had not been previously curated by ICSL or reported in the Human Gene Mutation Database (HGMD: prior to June 1st, 2018), and was therefore a candidate for classification through an automated scoring system. Utilizing variant allele frequency, disease prevalence and penetrance estimates, and inheritance mode, an automated score was calculated to assess if this variant is too frequent to cause the disease. Based on the score and internal cut-off values, a variant classified as likely benign is not then subjected to further curation. The score for this variant resulted in a classification of likely benign for this disease.

Center for Pediatric Genomic Medicine, Children's Mercy Hospital and Clinics
Classification: Likely benign. Last evaluated: 2017-05-03. Review status: criteria provided, single submitter. Criteria: ACMG Guidelines, 2015. Collection method: clinical testing. Allele origin: germline.

Ambry Genetics
Classification: Benign for Inborn genetic diseases. Last evaluated: 2016-07-01. Review status: criteria provided, single submitter. Criteria: Ambry Variant Classification Scheme 2023. Collection method: clinical testing. Allele origin: germline.

Eurofins Ntd Llc (ga)
Classification: Likely benign. Last evaluated: 2016-04-27. Review status: criteria provided, single submitter. Criteria: EGL Classification Definitions 2015. Collection method: clinical testing. Allele origin: germline. Observed: 2 variant alleles, 2 heterozygotes.

Genetic Services Laboratory, University of Chicago
Classification: Uncertain significance for Cornelia de Lange syndrome 1. Last evaluated: 2013-02-08. Review status: criteria provided, single submitter. Criteria: ACMG Guidelines, 2007. Collection method: clinical testing. Allele origin: germline. Inheritance: Autosomal dominant inheritance.

PreventionGenetics, part of Exact Sciences
Classification: Likely benign. Review status: criteria provided, single submitter. Criteria: ACMG Guidelines, 2015. Collection method: clinical testing. Allele origin: germline.